The following is an entry in ClinVar:

ClinVar aggregate classification (germline): Pathogenic (1 of 4 stars; one submission).

Conditions:
Mucopolysaccharidosis, MPS-IV-B (MPS4B). Also called: MORQUIO SYNDROME B; Mucopolysaccharidosis Type IVB (Morquio B Disease); Mucopolysaccharidosis type 4B; Mucopolysaccharidosis type IVB (Morquio); MPS IVB; Mucopolysaccharidosis type IV B. Identifiers: Orphanet 309310, Orphanet 582, MedGen C0086652, MONDO:0009660, OMIM 253010.
GM1 gangliosidosis. Identifiers: Orphanet 354, MedGen C0085131, MONDO:0018149.

Submission:

Labcorp Genetics (formerly Invitae), Labcorp
Classification: Pathogenic for Mucopolysaccharidosis, MPS-IV-B; GM1 gangliosidosis. Last evaluated: 2021-08-30. Review status: criteria provided, single submitter. Criteria: Invitae Variant Classification Sherloc (09022015). Collection method: clinical testing. Allele origin: germline.
Comment: This sequence change affects a donor splice site in intron 14 of the GLB1 gene. RNA analysis indicates that disruption of this splice site induces altered splicing and likely results in a shortened protein product. This variant is not present in population databases (ExAC no frequency). Disruption of this splice site has been observed in individual(s) with GM1-gangliosidosis (PMID: 16941474). Studies have shown that disruption of this splice site results in skipping of exon 14, but is expected to preserve the integrity of the reading-frame (PMID: 16941474). For these reasons, this variant has been classified as Pathogenic.

Literature cited by the submitters: PubMed 16941474.

NM_000404.4(GLB1):c.1479+1G>C

Gene: GLB1 (galactosidase beta 1; minus strand). Cytogenetic location: 3p22.3.
Variant type: single nucleotide variant.
Coding change: c.1479+1G>C on transcript NM_000404.4 (MANE Select); the canonical splice donor site of the intron after coding-DNA position 1479, G replaced by C.
Molecular consequence: splice donor variant.
Genome position (GRCh38, 1-based): chr3:33,016,708, C>G on the plus strand (G>C on the coding strand, the complement: GLB1 is on the minus strand). VCF-style: chr3-33016708-C-G. GRCh37 (hg19) VCF-style: chr3-33058200-C-G.
Other names: c.1479+1G>C (NM_001393580.1); c.1086+1G>C (NM_001135602.3); c.1623+1G>C (NM_001317040.2); c.1389+1G>C (NM_001079811.3).
Identifiers: ClinVar variation 1364568 (VCV001364568.6), dbSNP rs1022476871, ClinGen allele CA351988433.